The following is an entry in ClinVar:

ClinVar aggregate classification (germline): Benign (1 of 4 stars; one submission).

Conditions:
Familial cancer of breast. Also called: BREAST CANCER, FAMILIAL; Hereditary breast cancer; hereditary breast carcinoma. Identifiers: Orphanet 227535, MedGen C0346153, MONDO:0016419, OMIM 114480. Disease mechanism: loss of function.

Submission:

Myriad Genetics, Inc.
Classification: Benign for Familial cancer of breast. Last evaluated: 2024-04-30. Review status: criteria provided, single submitter. Criteria: Myriad Autosomal Dominant, Autosomal Recessive and X-Linked Classification Criteria (2023). Collection method: clinical testing. Allele origin: unknown.
Comment: This variant is considered benign. This variant is a silent/synonymous amino acid change and it is not expected to impact splicing.

NM_000051.4(ATM):c.1632G>A (p.Leu544=)

Gene: ATM (ATM serine/threonine kinase; plus strand). Cytogenetic location: 11q22.3.
Variant type: single nucleotide variant.
Coding change: c.1632G>A on transcript NM_000051.4 (MANE Select); coding-DNA position 1632, G replaced by A.
Protein change: p.Leu544=; no amino-acid change (leucine 544 retained).
Molecular consequence: synonymous variant.
Genome position (GRCh38, 1-based): chr11:108,251,861, G>A. VCF-style: chr11-108251861-G-A. GRCh37 (hg19) VCF-style: chr11-108122588-G-A.
Other names: c.1632G>A, p.Leu544= (NM_001351834.2).
Identifiers: ClinVar variation 3253892 (VCV003253892.1), dbSNP rs2135339321.